The following is an entry in ClinVar:

ClinVar aggregate classification (germline): Likely benign. Review status: criteria provided, single submitter (1 of 4 stars). 2 submissions from 2 submitters: Likely benign (1). 1 of the submissions does not count toward it. Last evaluated 2024-05-16.

Conditions:
PLCE1-related disorder. Also called: PLCE1-related condition.
Nephrotic syndrome, type 3 (NPHS3). Also called: NEPHROTIC SYNDROME, EARLY-ONSET, TYPE 3. Identifiers: Orphanet 656, MedGen C1853124, MONDO:0012546, OMIM 610725.

Allele frequency attached by ClinVar (database versions not stated): ExAC 0.00002; gnomAD 0.00002; TOPMed 0.00002; gnomAD exomes 0.00003.
gnomAD v4.1: 44 of 1,613,706 alleles (0.0027%); highest among the groups gnomAD compares: South Asian, 0.0099%; no homozygotes.

Submissions (2):

Fulgent Genetics
Classification: Likely benign for Nephrotic syndrome, type 3. Last evaluated: 2024-05-16. Review status: criteria provided, single submitter. Criteria: ACMG Guidelines, 2015. Collection method: clinical testing. Allele origin: germline.

PreventionGenetics, part of Exact Sciences
Classification: Likely benign for PLCE1-related condition. Last evaluated: 2022-12-20. Review status: no assertion criteria provided. Collection method: clinical testing. Allele origin: germline. Not counted in ClinVar's aggregate classification.
Comment: This variant is classified as likely benign based on ACMG/AMP sequence variant interpretation guidelines (Richards et al. 2015 PMID: 25741868, with internal and published modifications).

NM_016341.4(PLCE1):c.297G>A (p.Ala99=)

Gene: PLCE1 (phospholipase C epsilon 1; plus strand). Cytogenetic location: 10q23.33.
Variant type: single nucleotide variant.
Coding change: c.297G>A on transcript NM_016341.4 (MANE Select); coding-DNA position 297, G replaced by A.
Protein change: p.Ala99=; no amino-acid change (alanine 99 retained).
Molecular consequence: synonymous variant.
Genome position (GRCh38, 1-based): chr10:94,031,343, G>A. VCF-style: chr10-94031343-G-A. GRCh37 (hg19) VCF-style: chr10-95791100-G-A.
Other names: c.297G>A, p.Ala99= (NM_001288989.2).
Identifiers: ClinVar variation 3029875 (VCV003029875.3), dbSNP rs768443933, ClinGen allele CA5612108.
Genomic context (GRCh38, chr10:94,031,343, plus strand): 5'-AATAGTGAGTGATGAGAACAGTAATGAAAAATGTTGGGAGAAAATCATGCCAGATTCTGC[G>A]AAAAACCTTAACATTAACTGCAACAACATATTGAGAAACCATCAGCATGGCCTTCCTCAG-3'
Protein context (NP_057425.3, residues 89-109): KCWEKIMPDS[Ala99=]KNLNINCNNI